The following is an entry in ClinVar:

NM_000090.4(COL3A1):c.3204CCCTGCTGG[1] (p.1069PAG[1])

Gene: COL3A1 (collagen type III alpha 1 chain; plus strand). Cytogenetic location: 2q32.2.
Variant type: Microsatellite.
Coding change: c.3204CCCTGCTGG[1] on transcript NM_000090.4 (MANE Select); one copy of the 9-base unit CCCTGCTGG starting at c.3204; the reference has two copies in a row; one copy, 9 bases deleted; also written c.3213_3221del.
Protein change: p.1069PAG[1].
Molecular consequence: inframe deletion.
Genome position (GRCh38, 1-based): chr2:189,006,948-189,006,956, CCCTGCTGG deleted; deleting any 9 consecutive bases within chr2:189,006,937-189,006,956 gives the same sequence; the position shown is the placement nearest the transcript's 3' end. VCF-style (leftmost placement, unchanged base first): chr2-189006936-GGGCCCTGCT-G. GRCh37 (hg19) VCF-style: chr2-189871662-GGGCCCTGCT-G.
Other names: c.3213_3221del (NM_000090.4).
Identifiers: ClinVar variation 1066503 (VCV001066503.11), dbSNP rs771791598, ClinGen allele CA1315404338.

ClinVar aggregate classification (germline): Pathogenic/Likely pathogenic. Review status: criteria provided, multiple submitters, no conflicts (2 of 4 stars). 3 submissions from 3 submitters: Pathogenic (1); Likely pathogenic (2). Last evaluated 2025-07-18.

Conditions:
Familial thoracic aortic aneurysm and aortic dissection (TAAD). Also called: Thoracic aortic aneurysms and dissections. Identifiers: Orphanet 91387, MedGen C4707243, MONDO:0019625.
Ehlers-Danlos syndrome, type 4 (EDSVASC). Also called: Ehlers-Danlos syndrome vascular type; Ehlers Danlos syndrome, ecchymotic type; Ehlers Danlos syndrome, arterial type; Ehlers Danlos syndrome, Sack-Barabas type; Ehlers-Danlos Syndrome Type IV. Identifiers: Orphanet 286, MedGen C0268338, MONDO:0017314, OMIM 130050.
Polymicrogyria with or without vascular-type Ehlers-Danlos syndrome. Identifiers: Orphanet 636941, MedGen C5193040, MONDO:0032688, OMIM 618343.

Submissions (3):

Color Diagnostics, LLC DBA Color Health
Classification: Likely pathogenic for Familial thoracic aortic aneurysm and aortic dissection. Last evaluated: 2025-07-18. Review status: criteria provided, single submitter. Criteria: ACMG Guidelines, 2015. Collection method: clinical testing. Allele origin: germline.
Comment: This variant causes an in-frame deletion of 3 amino acids in the COL3A1 protein (p.Pro1072_Gly1074del). This variant results in the loss of one Gly-Xaa-Yaa motif within the triple helical domain of the COL3A1 protein. Gly-Xaa-Yaa repeats including highly conserved glycine residues are required for the structural stability of fibrillar collagens (PMID: 7695699, 8218237, 19344236). This variant is expected to have a deleterious impact on COL3A1 gene function. This variant has not been reported in individuals affected with COL3A1-related disorders in the literature. This variant has not been identified in the general population by the Genome Aggregation Database (gnomAD). A different variant, p.Pro1072_Gly1080del (loss of 3 Gly-Xaa-Yaa motifs), that encompasses the variant under investigation has been observed in an individual affected with vascular Ehlers-Danlos syndrome (PMID: 37655064). Other variants that cause an in-frame deletion of one or more Gly-Xaa-Yaa motifs within the triple helical domain of the COL3A1 protein are reported as disease-causing (ClinVar-COL3A1). Based on the available evidence, this p.Pro1072_Gly1074del variant is classified as Likely Pathogenic.

Fulgent Genetics
Classification: Likely pathogenic for Ehlers-Danlos syndrome, type 4; Polymicrogyria with or without vascular-type Ehlers-Danlos syndrome. Last evaluated: 2024-03-17. Review status: criteria provided, single submitter. Criteria: ACMG Guidelines, 2015. Collection method: clinical testing. Allele origin: germline.

Labcorp Genetics (formerly Invitae), Labcorp
Classification: Pathogenic for Ehlers-Danlos syndrome, type 4. Last evaluated: 2023-10-03. Review status: criteria provided, single submitter. Criteria: Invitae Variant Classification Sherloc (09022015). Collection method: clinical testing. Allele origin: germline.
Comment: This variant, c.3213_3221del, results in the deletion of 3 amino acid(s) of the COL3A1 protein (p.Pro1072_Gly1074del), but otherwise preserves the integrity of the reading frame. This variant is not present in population databases (gnomAD no frequency). This variant has not been reported in the literature in individuals affected with COL3A1-related conditions. Algorithms developed to predict the effect of sequence changes on RNA splicing suggest that this variant may disrupt the consensus splice site. This variant disrupts the triple helix domain of COL3A1. Glycine residues within the Gly-Xaa-Yaa repeats of the triple helix domain are required for the structure and stability of fibrillar collagens (PMID: 7695699, 8218237, 19344236). In COL3A1, variants that affect these glycine residues are significantly enriched in individuals with disease (PMID: 24922459, 25758994) compared to the general population (ExAC). This variant disrupts a region of the COL3A1 protein in which other variant(s) (p.Gly1074Asp) have been determined to be pathogenic (Invitae). This suggests that this is a clinically significant region of the protein, and that variants that disrupt it are likely to be disease-causing. For these reasons, this variant has been classified as Pathogenic.

Literature cited by the submitters: PubMed 7695699 (cited by Color Diagnostics, LLC DBA Color Health and Labcorp Genetics (formerly Invitae), Labcorp); PubMed 8218237 (cited by Color Diagnostics, LLC DBA Color Health and Labcorp Genetics (formerly Invitae), Labcorp); PubMed 19344236 (cited by Color Diagnostics, LLC DBA Color Health and Labcorp Genetics (formerly Invitae), Labcorp); PubMed 37655064 (cited by Color Diagnostics, LLC DBA Color Health); PubMed 24922459 (cited by Labcorp Genetics (formerly Invitae), Labcorp); PubMed 25758994 (cited by Labcorp Genetics (formerly Invitae), Labcorp).